The following is an entry in ClinVar:

NM_014009.4(FOXP3):c.-23+146_-23+148dup

Gene: FOXP3 (forkhead box P3; minus strand). Cytogenetic location: Xp11.23.
Variant type: Duplication.
Coding change: c.-23+146_-23+148dup on transcript NM_014009.4 (MANE Select); bases 146 to 148 of the intron after 23 bases upstream of the start codon, 3 bases duplicated (AAA; older notation c.-23+146_-23+148dupAAA).
Molecular consequence: intron variant.
Genome position (GRCh38, 1-based): chrX:49,264,513-49,264,515, TTT duplicated on the plus strand (AAA on the coding strand, the reverse complement: FOXP3 is on the minus strand); duplicating any 3 consecutive bases within chrX:49,264,513-49,264,519 gives the same sequence; the c. name uses the placement nearest the transcript's 3' end. VCF-style (leftmost placement, unchanged base first): chrX-49264512-A-ATTT. GRCh37 (hg19) VCF-style: chrX-49120974-A-ATTT.
Other names: c.-23+146_-23+148dup (NM_001114377.2).
Identifiers: ClinVar variation 2688118 (VCV002688118.2), dbSNP rs35302628, ClinGen allele CA2697553113.

ClinVar aggregate classification (germline): Benign (1 of 4 stars; one submission).

Submission:

Unidad de Genómica Garrahan, Hospital de Pediatría Garrahan
Classification: Benign. Last evaluated: 2024-01-24. Review status: criteria provided, single submitter. Criteria: ACMG Guidelines, 2015. Collection method: clinical testing. Allele origin: germline. Affected: no. Observed: 49 variant alleles.
Comment: This variant is classified as Benign based on local population frequency. This variant was detected in 52% of patients studied by a panel of primary immunodeficiencies. Number of patients: 49. Only high quality variants are reported.